The following is an entry in ClinVar:

NM_001368397.1(FRMPD4):c.2072G>T (p.Gly691Val)

Gene: FRMPD4 (FERM and PDZ domain containing 4; plus strand). Cytogenetic location: Xp22.2.
Variant type: single nucleotide variant.
Coding change: c.2072G>T on transcript NM_001368397.1 (MANE Select); coding-DNA position 2072, G replaced by T.
Protein change: p.Gly691Val; replaces glycine 691 with valine.
Molecular consequence: missense variant.
Genome position (GRCh38, 1-based): chrX:12,716,531, G>T. VCF-style: chrX-12716531-G-T. GRCh37 (hg19) VCF-style: chrX-12734650-G-T.
Other names: c.2048G>T, p.Gly683Val (NM_001368401.1, NM_001368402.3); c.2072G>T, p.Gly691Val (NM_014728.3); c.2078G>T, p.Gly693Val (NM_001368396.3); c.2183G>T, p.Gly728Val (NM_001368398.3, NM_001368395.3); c.2063G>T, p.Gly688Val (NM_001368399.3); c.1952G>T, p.Gly651Val (NM_001368400.3); short protein forms G651V, G683V, G688V, G691V, G693V, G728V.
Identifiers: ClinVar variation 1336401 (VCV001336401.29), dbSNP rs200183778, ClinGen allele CA10349404.

ClinVar aggregate classification (germline): Likely benign. Review status: criteria provided, multiple submitters, no conflicts (2 of 4 stars). 3 submissions from 3 submitters: Likely benign (2). 1 of the submissions does not count toward it. Last evaluated 2023-06-01.

Conditions:
FRMPD4-related disorder. Also called: FRMPD4-related condition.

Allele frequency attached by ClinVar (database versions not stated): TOPMed 0.00017; ESP Exome Variant Server 0.00019; gnomAD 0.00019 and 0.00022; gnomAD exomes 0.00023 and 0.00036; ExAC 0.00027.
gnomAD v4.1: 408 of 1,206,958 alleles (0.034%); highest among the groups gnomAD compares: Non-Finnish European, 0.043%; no homozygotes.

Submissions (3):

CeGaT Center for Human Genetics Tuebingen
Classification: Likely benign. Last evaluated: 2023-06-01. Review status: criteria provided, single submitter. Criteria: CeGaT Center For Human Genetics Tuebingen Variant Classification Criteria Version 2. Collection method: clinical testing. Allele origin: germline. Affected: yes. Observed: 1 variant allele.
Comment: FRMPD4: BP4, BS2

Genetic Services Laboratory, University of Chicago
Classification: Likely benign. Last evaluated: 2017-12-08. Review status: criteria provided, single submitter. Criteria: ACMG Guidelines, 2015. Collection method: clinical testing. Allele origin: germline. Affected: no.

PreventionGenetics, part of Exact Sciences
Classification: Likely benign for FRMPD4-related condition. Last evaluated: 2022-04-29. Review status: no assertion criteria provided. Collection method: clinical testing. Allele origin: germline. Not counted in ClinVar's aggregate classification.
Comment: This variant is classified as likely benign based on ACMG/AMP sequence variant interpretation guidelines (Richards et al. 2015 PMID: 25741868, with internal and published modifications).